The following is an entry in ClinVar:

ClinVar aggregate classification (germline): Conflicting classifications of pathogenicity. Review status: criteria provided, conflicting classifications (1 of 4 stars). 3 submissions from 3 submitters: Uncertain significance (2); Likely benign (1). Last evaluated 2025-09-24.

Conditions:
Breast-ovarian cancer, familial, susceptibility to, 3. Also called: RAD51C-Related Breast/Ovarian Cancer. Identifiers: Orphanet 145, MedGen C3150659, MONDO:0013253, OMIM 613399.
Hereditary cancer-predisposing syndrome. Also called: Neoplastic Syndromes, Hereditary; Hereditary Cancer Syndrome; Hereditary neoplastic syndrome; Tumor predisposition. Identifiers: Orphanet 140162, MedGen C0027672, MeSH D009386, MONDO:0015356.
Fanconi anemia complementation group O. Also called: RAD51C-Related Fanconi Anemia. Identifiers: Orphanet 84, MedGen C3150653, MONDO:0013248, OMIM 613390.

Allele frequency attached by ClinVar (database versions not stated): ExAC 0.00001; gnomAD exomes 0.00001.
gnomAD v4.1: 3 of 1,614,230 alleles (0.00019%); highest among the groups gnomAD compares: South Asian, 0.0033%; no homozygotes.

Submissions (3):

Ambry Genetics
Classification: Likely benign for Hereditary cancer-predisposing syndrome. Last evaluated: 2025-09-24. Review status: criteria provided, single submitter. Criteria: Ambry Variant Classification Scheme 2023. Collection method: clinical testing. Allele origin: germline.

Labcorp Genetics (formerly Invitae), Labcorp
Classification: Uncertain significance for Fanconi anemia complementation group O. Last evaluated: 2023-02-14. Review status: criteria provided, single submitter. Criteria: Invitae Variant Classification Sherloc (09022015). Collection method: clinical testing. Allele origin: germline.
Comment: This sequence change replaces arginine, which is basic and polar, with proline, which is neutral and non-polar, at codon 12 of the RAD51C protein (p.Arg12Pro). In summary, the available evidence is currently insufficient to determine the role of this variant in disease. Therefore, it has been classified as a Variant of Uncertain Significance. Algorithms developed to predict the effect of missense changes on protein structure and function are either unavailable or do not agree on the potential impact of this missense change (SIFT: "Deleterious"; PolyPhen-2: "Probably Damaging"; Align-GVGD: "Class C0"). ClinVar contains an entry for this variant (Variation ID: 823976). This variant has not been reported in the literature in individuals affected with RAD51C-related conditions. This variant is present in population databases (rs764394130, gnomAD 0.006%).

Neuberg Centre For Genomic Medicine, NCGM
Classification: Uncertain significance for Breast-ovarian cancer, familial, susceptibility to, 3. Review status: criteria provided, single submitter. Criteria: ACMG Guidelines, 2015. Collection method: clinical testing. Allele origin: germline. Inheritance: Autosomal dominant inheritance. Affected: yes.
Comment: The missense variant c.35G>C (p.Arg12Pro) in RAD51C gene has been submitted to ClinVar as a Variant of Uncertain Significance. This variant has not been reported in the literature in individuals with RAD51C-related conditions. The p.Arg12Pro variant is reported with the allele frequency (0.0007%) in the gnomAD Exomes and is novel (not in any individuals) in 1000 Genomes. The amino acid Arg at position 12 is changed to a Pro changing protein sequence and it might alter its composition and physico-chemical properties. The variant is predicted to be damaging by both SIFT and PolyPhen2. The residue is conserved across species. The amino acid change p.Arg12Pro in RAD51C is predicted as conserved by GERP++ and PhyloP across 100 vertebrates. For these reasons, this variant has been classified as a Variant of Uncertain Significance (VUS).

NM_058216.3(RAD51C):c.35G>C (p.Arg12Pro)

Gene: RAD51C (RAD51 paralog C; plus strand). Cytogenetic location: 17q22.
Variant type: single nucleotide variant.
Coding change: c.35G>C on transcript NM_058216.3 (MANE Select); coding-DNA position 35, G replaced by C.
Protein change: p.Arg12Pro; replaces arginine 12 with proline.
Molecular consequence: missense variant. On other transcripts: non-coding transcript variant (2).
Genome position (GRCh38, 1-based): chr17:58,692,678, G>C. VCF-style: chr17-58692678-G-C. GRCh37 (hg19) VCF-style: chr17-56770039-G-C.
Other names: c.35G>C, p.Arg12Pro (NM_002876.4); short protein forms R12P.
Identifiers: ClinVar variation 823976 (VCV000823976.14), dbSNP rs764394130, ClinGen allele CA8677127.